The following is an entry in ClinVar:

ClinVar aggregate classification (germline): Uncertain significance (1 of 4 stars; one submission).

Conditions:
Inborn genetic diseases. Identifiers: MedGen C0950123, MeSH D030342.

Submission:

Ambry Genetics
Classification: Uncertain significance for Inborn genetic diseases. Last evaluated: 2025-01-08. Review status: criteria provided, single submitter. Criteria: Ambry Variant Classification Scheme 2023. Collection method: clinical testing. Allele origin: germline.
Comment: The p.Y72S variant (also known as c.215A>C), located in coding exon 1 of the GATA2 gene, results from an A to C substitution at nucleotide position 215. The tyrosine at codon 72 is replaced by serine, an amino acid with dissimilar properties. This amino acid position is conserved. In addition, this alteration is predicted to be deleterious by in silico analysis. Based on the available evidence, the clinical significance of this variant remains unclear.

NM_032638.5(GATA2):c.215A>C (p.Tyr72Ser)

Gene: GATA2 (GATA binding protein 2; minus strand). Cytogenetic location: 3q21.3.
Variant type: single nucleotide variant.
Coding change: c.215A>C on transcript NM_032638.5 (MANE Select); coding-DNA position 215, A replaced by C.
Protein change: p.Tyr72Ser; replaces tyrosine 72 with serine.
Molecular consequence: missense variant.
Genome position (GRCh38, 1-based): chr3:128,486,817, T>G on the plus strand (A>C on the coding strand, the complement: GATA2 is on the minus strand). VCF-style: chr3-128486817-T-G. GRCh37 (hg19) VCF-style: chr3-128205660-T-G.
Other names: c.215A>C, p.Tyr72Ser (NM_001145661.2, NM_001145662.1); short protein forms Y72S.
Identifiers: ClinVar variation 3852997 (VCV003852997.1).